The following is an entry in ClinVar:

ClinVar aggregate classification (germline): Uncertain significance. Review status: criteria provided, multiple submitters, no conflicts (2 of 4 stars). 2 submissions from 2 submitters: Uncertain significance (2). Last evaluated 2025-10-14.

Conditions:
Familial cancer of breast. Also called: hereditary breast carcinoma; Hereditary breast cancer; BREAST CANCER, FAMILIAL. Identifiers: Orphanet 227535, MedGen C0346153, MONDO:0016419, OMIM 114480. Disease mechanism: loss of function.
Hereditary cancer-predisposing syndrome. Also called: Hereditary Cancer Syndrome; Hereditary neoplastic syndrome; Neoplastic Syndromes, Hereditary; Tumor predisposition. Identifiers: Orphanet 140162, MedGen C0027672, MeSH D009386, MONDO:0015356.

Submissions (2):

Ambry Genetics
Classification: Uncertain significance for Hereditary cancer-predisposing syndrome. Last evaluated: 2025-10-14. Review status: criteria provided, single submitter. Criteria: Ambry Variant Classification Scheme 2023. Collection method: clinical testing. Allele origin: germline.
Comment: The p.K511R variant (also known as c.1532A>G), located in coding exon 6 of the BARD1 gene, results from an A to G substitution at nucleotide position 1532. The lysine at codon 511 is replaced by arginine, an amino acid with highly similar properties. This amino acid position is conserved. In addition, this alteration is predicted to be tolerated by in silico analysis. Based on the available evidence, the clinical significance of this variant remains unclear.

Labcorp Genetics (formerly Invitae), Labcorp
Classification: Uncertain significance for Familial cancer of breast. Last evaluated: 2025-07-16. Review status: criteria provided, single submitter. Criteria: Invitae Variant Classification Sherloc (09022015). Collection method: clinical testing. Allele origin: germline.
Comment: This sequence change replaces lysine, which is basic and polar, with arginine, which is basic and polar, at codon 511 of the BARD1 protein (p.Lys511Arg). This variant is not present in population databases (gnomAD no frequency). This variant has not been reported in the literature in individuals affected with BARD1-related conditions. ClinVar contains an entry for this variant (Variation ID: 2991974). An algorithm developed to predict the effect of missense changes on protein structure and function outputs the following: PolyPhen-2: "Benign". The arginine amino acid residue is found in multiple mammalian species, which suggests that this missense change does not adversely affect protein function. In summary, the available evidence is currently insufficient to determine the role of this variant in disease. Therefore, it has been classified as a Variant of Uncertain Significance.

NM_000465.4(BARD1):c.1532A>G (p.Lys511Arg)

Gene: BARD1 (BRCA1 associated RING domain 1; minus strand). Cytogenetic location: 2q35.
Variant type: single nucleotide variant.
Coding change: c.1532A>G on transcript NM_000465.4 (MANE Select); coding-DNA position 1532, A replaced by G.
Protein change: p.Lys511Arg; replaces lysine 511 with arginine.
Molecular consequence: missense variant. On other transcripts: non-coding transcript variant (3), intron variant (3).
Genome position (GRCh38, 1-based): chr2:214,767,518, T>C on the plus strand (A>G on the coding strand, the complement: BARD1 is on the minus strand). VCF-style: chr2-214767518-T-C. GRCh37 (hg19) VCF-style: chr2-215632242-T-C.
Other names: c.1532A>G (NM_000465.2); c.1475A>G, p.Lys492Arg (NM_001282543.2); c.159-14963A>G (NM_001282548.2); c.216-14963A>G (NM_001282545.2); c.364+24779A>G (NM_001282549.2); short protein forms K492R, K511R.
Identifiers: ClinVar variation 2991974 (VCV002991974.4), dbSNP rs2106076398, ClinGen allele CA350448213.